The following is an entry in ClinVar:

NM_024490.4(ATP10A):c.2444A>G (p.Lys815Arg)

Gene: ATP10A (ATPase phospholipid transporting 10A (putative); minus strand). Cytogenetic location: 15q12.
Variant type: single nucleotide variant.
Coding change: c.2444A>G on transcript NM_024490.4 (MANE Select); coding-DNA position 2444, A replaced by G.
Protein change: p.Lys815Arg; replaces lysine 815 with arginine.
Molecular consequence: missense variant.
Genome position (GRCh38, 1-based): chr15:25,708,201, T>C on the plus strand (A>G on the coding strand, the complement: ATP10A is on the minus strand). VCF-style: chr15-25708201-T-C. GRCh37 (hg19) VCF-style: chr15-25953348-T-C.
Other names: short protein forms K815R.
Identifiers: ClinVar variation 3061336 (VCV003061336.2), dbSNP rs1477118428, ClinGen allele CA391367425.

ClinVar aggregate classification (germline): Uncertain significance (0 of 4 stars; one submission).

Conditions:
ATP10A-related disorder. Also called: ATP10A-related condition.

Allele frequency attached by ClinVar (database versions not stated): gnomAD exomes below 0.00001.
gnomAD v4.1: 2 of 1,614,230 alleles (0.00012%); highest among the groups gnomAD compares: Non-Finnish European, 0.00017%; no homozygotes.

Submission:

PreventionGenetics, part of Exact Sciences
Classification: Uncertain significance for ATP10A-related condition. Last evaluated: 2024-02-27. Review status: no assertion criteria provided. Collection method: clinical testing. Allele origin: germline.
Comment: The ATP10A c.2444A>G variant is predicted to result in the amino acid substitution p.Lys815Arg. To our knowledge, this variant has not been reported in the literature. This variant is reported in 0.00088% of alleles in individuals of European (Non-Finnish) descent in gnomAD. At this time, the clinical significance of this variant is uncertain due to the absence of conclusive functional and genetic evidence.